The following is an entry in ClinVar:

ClinVar aggregate classification (germline): Uncertain significance. Review status: criteria provided, multiple submitters, no conflicts (2 of 4 stars). 3 submissions from 3 submitters: Uncertain significance (3). Last evaluated 2025-12-15.

Conditions:
Hereditary cancer-predisposing syndrome. Also called: Neoplastic Syndromes, Hereditary; Hereditary neoplastic syndrome; Tumor predisposition; Hereditary Cancer Syndrome. Identifiers: Orphanet 140162, MedGen C0027672, MeSH D009386, MONDO:0015356.
POLD1-related polyposis and colorectal cancer syndrome (CRCS10). Also called: Colorectal cancer 10; COLORECTAL CANCER, SUSCEPTIBILITY TO, ON CHROMOSOME 19q; Colorectal cancer, susceptibility to, 10. Identifiers: Orphanet 220460, MedGen C2675481, MONDO:0012953, OMIM 612591.

Allele frequency attached by ClinVar (database versions not stated): gnomAD exomes below 0.00001.

Submissions (3):

Ambry Genetics
Classification: Uncertain significance for Hereditary cancer-predisposing syndrome. Last evaluated: 2025-12-15. Review status: criteria provided, single submitter. Criteria: Ambry Variant Classification Scheme 2023. Collection method: clinical testing. Allele origin: germline.
Comment: The p.S939L variant (also known as c.2816C>T), located in coding exon 21 of the POLD1 gene, results from a C to T substitution at nucleotide position 2816. The serine at codon 939 is replaced by leucine, an amino acid with dissimilar properties. This amino acid position is well conserved in available vertebrate species. In addition, the in silico prediction for this alteration is inconclusive. Based on the available evidence, the clinical significance of this variant remains unclear.

Labcorp Genetics (formerly Invitae), Labcorp
Classification: Uncertain significance for POLD1-related polyposis and colorectal cancer syndrome. Last evaluated: 2023-05-07. Review status: criteria provided, single submitter. Criteria: Invitae Variant Classification Sherloc (09022015). Collection method: clinical testing. Allele origin: germline.
Comment: This sequence change replaces serine, which is neutral and polar, with leucine, which is neutral and non-polar, at codon 939 of the POLD1 protein (p.Ser939Leu). This variant is not present in population databases (gnomAD no frequency). This variant has not been reported in the literature in individuals affected with POLD1-related conditions. ClinVar contains an entry for this variant (Variation ID: 422722). Advanced modeling of protein sequence and biophysical properties (such as structural, functional, and spatial information, amino acid conservation, physicochemical variation, residue mobility, and thermodynamic stability) performed at Invitae indicates that this missense variant is expected to disrupt POLD1 protein function. In summary, the available evidence is currently insufficient to determine the role of this variant in disease. Therefore, it has been classified as a Variant of Uncertain Significance.

GeneDx
Classification: Uncertain significance. Last evaluated: 2021-04-19. Review status: criteria provided, single submitter. Criteria: GeneDx Variant Classification Process June 2021. Collection method: clinical testing. Allele origin: germline. Affected: yes.
Comment: Not observed in large population cohorts (Lek 2016); In silico analysis supports that this missense variant has a deleterious effect on protein structure/function; Has not been previously published as pathogenic or benign to our knowledge

NM_002691.4(POLD1):c.2816C>T (p.Ser939Leu)

Gene: POLD1 (DNA polymerase delta 1, catalytic subunit; plus strand). Cytogenetic location: 19q13.33.
Variant type: single nucleotide variant.
Coding change: c.2816C>T on transcript NM_002691.4 (MANE Select); coding-DNA position 2816, C replaced by T.
Protein change: p.Ser939Leu; replaces serine 939 with leucine.
Molecular consequence: missense variant.
Genome position (GRCh38, 1-based): chr19:50,415,822, C>T. VCF-style: chr19-50415822-C-T. GRCh37 (hg19) VCF-style: chr19-50919079-C-T.
Other names: c.2816C>T, p.Ser939Leu (LRG_785t1, NM_001256849.1); c.2894C>T, p.Ser965Leu (LRG_785t2, NM_001308632.1); c.2816C>T (NM_002691.2); short protein forms S939L, S965L.
Identifiers: ClinVar variation 422722 (VCV000422722.13), dbSNP rs1064795958, ClinGen allele CA16620899.
Genomic context (GRCh38, chr19:50,415,822, plus strand): 5'-GCGACCGCGTCCCCTACGTGATCATCAGTGCCGCCAAGGGTGTGGCCGCCTACATGAAGT[C>T]GGAGGTCAGGCCCACCTGGCTGCCTGCTCCCGCCCAGCCCCCTCGCTCTCACTTCTGCTT-3'
Protein context (NP_002682.2, residues 929-949): AAKGVAAYMK[Ser939Leu]EDPLFVLEHS